The following is an entry in ClinVar:

NM_001114753.3(ENG):c.1852+21C>T

Gene: ENG (endoglin; minus strand). Cytogenetic location: 9q34.11.
Variant type: single nucleotide variant.
Coding change: c.1852+21C>T on transcript NM_001114753.3 (MANE Select); 21 bases into the intron after coding-DNA position 1852, C replaced by T.
Molecular consequence: intron variant. On other transcripts: nonsense (1).
Genome position (GRCh38, 1-based): chr9:127,815,922, G>A on the plus strand (C>T on the coding strand, the complement: ENG is on the minus strand). VCF-style: chr9-127815922-G-A. GRCh37 (hg19) VCF-style: chr9-130578201-G-A.
Other names: c.1873C>T, p.Gln625Ter (NM_000118.4); c.1306+21C>T (NM_001278138.2); short protein forms Q625*.
Identifiers: ClinVar variation 2901582 (VCV002901582.3), dbSNP rs147188969, ClinGen allele CA374971272.

ClinVar aggregate classification (germline): Uncertain significance (1 of 4 stars; one submission).

Conditions:
Hereditary hemorrhagic telangiectasia (HHT). Also called: ORW DISEASE; Osler Weber Rendu syndrome; OSLER-RENDU-WEBER DISEASE; Osler hemorrhagic telangiectasia syndrome. Identifiers: Orphanet 774, MedGen C0039445, MONDO:0019180. Disease mechanism: loss of function.

gnomAD v4.1: 1 of 1,587,608 alleles (0.000063%); no homozygotes.

Submission:

Labcorp Genetics (formerly Invitae), Labcorp
Classification: Uncertain significance for Hereditary hemorrhagic telangiectasia. Last evaluated: 2023-10-04. Review status: criteria provided, single submitter. Criteria: Invitae Variant Classification Sherloc (09022015). Collection method: clinical testing. Allele origin: germline.
Comment: This sequence change creates a premature translational stop signal (p.Gln625*) in the ENG gene. While this is not anticipated to result in nonsense mediated decay, it is expected to disrupt the last 1 amino acid(s) of the ENG protein. This variant is not present in population databases (gnomAD no frequency). This variant has not been reported in the literature in individuals affected with ENG-related conditions. Experimental studies and prediction algorithms are not available or were not evaluated, and the functional significance of this variant is currently unknown. In summary, the available evidence is currently insufficient to determine the role of this variant in disease. Therefore, it has been classified as a Variant of Uncertain Significance.